The following is an entry in ClinVar:

ClinVar aggregate classification (germline): Uncertain significance (1 of 4 stars; one submission).

Allele frequency attached by ClinVar (database versions not stated): TOPMed 0.00001.

Submission:

Labcorp Genetics (formerly Invitae), Labcorp
Classification: Uncertain significance. Last evaluated: 2023-06-19. Review status: criteria provided, single submitter. Criteria: Invitae Variant Classification Sherloc (09022015). Collection method: clinical testing. Allele origin: germline.
Comment: ClinVar contains an entry for this variant (Variation ID: 2116817). In summary, the available evidence is currently insufficient to determine the role of this variant in disease. Therefore, it has been classified as a Variant of Uncertain Significance. Variants that disrupt the consensus splice site are a relatively common cause of aberrant splicing (PMID: 17576681, 9536098). Algorithms developed to predict the effect of sequence changes on RNA splicing suggest that this variant may create or strengthen a splice site. An algorithm developed to predict the effect of missense changes on protein structure and function (PolyPhen-2) suggests that this variant is likely to be disruptive. This variant has not been reported in the literature in individuals affected with NBAS-related conditions. This variant is not present in population databases (gnomAD no frequency). This sequence change replaces valine, which is neutral and non-polar, with methionine, which is neutral and non-polar, at codon 1235 of the NBAS protein (p.Val1235Met). This variant also falls at the last nucleotide of exon 31, which is part of the consensus splice site for this exon.

Literature cited by the submitters: PubMed 17576681; PubMed 9536098.

NM_015909.4(NBAS):c.3703G>A (p.Val1235Met)

Gene: NBAS (NBAS subunit of NRZ tethering complex; minus strand). Cytogenetic location: 2p24.3.
Variant type: single nucleotide variant.
Coding change: c.3703G>A on transcript NM_015909.4 (MANE Select); coding-DNA position 3703, G replaced by A.
Protein change: p.Val1235Met; replaces valine 1235 with methionine.
Molecular consequence: missense variant. On other transcripts: non-coding transcript variant (1).
Genome position (GRCh38, 1-based): chr2:15,374,608, C>T on the plus strand (G>A on the coding strand, the complement: NBAS is on the minus strand). VCF-style: chr2-15374608-C-T. GRCh37 (hg19) VCF-style: chr2-15514732-C-T.
Other names: short protein forms V1235M.
Identifiers: ClinVar variation 2116817 (VCV002116817.4), dbSNP rs1313388972, ClinGen allele CA345895759.